The following is an entry in ClinVar:

ClinVar aggregate classification (germline): Benign. Review status: criteria provided, multiple submitters, no conflicts (2 of 4 stars). 8 submissions from 8 submitters: Benign (6). 2 of the submissions do not count toward it. Last evaluated 2024-11-27.

Conditions:
Autosomal recessive nonsyndromic hearing loss 16. Also called: DFNB16 Nonsyndromic Hearing Loss and Deafness; DEAFNESS, AUTOSOMAL RECESSIVE 16. Identifiers: Orphanet 90636, MedGen C1863561, MONDO:0011364, OMIM 603720.

Allele frequency attached by ClinVar (database versions not stated): gnomAD exomes 0.16010; ExAC 0.16437; gnomAD 0.22161 and 0.22424; ESP Exome Variant Server 0.22218; TOPMed 0.24836; 1000 Genomes Project 0.29453; 1000 Genomes Project 30x 0.29591.
gnomAD v4.1: 208,347 of 1,611,690 alleles (13%); highest among the groups gnomAD compares: African/African-American, 50%; 22,363 homozygotes.

Submissions (8):

Blueprint Genetics
Classification: Benign. Last evaluated: 2024-11-27. Review status: criteria provided, single submitter. Criteria: ACMG Guidelines, 2015. Collection method: clinical testing. Allele origin: germline.

Mayo Clinic Laboratories, Mayo Clinic
Classification: Benign. Last evaluated: 2021-05-07. Review status: criteria provided, single submitter. Criteria: ACMG Guidelines, 2015. Collection method: clinical testing. Allele origin: germline. Observed: 44 variant alleles.

GeneDx
Classification: Benign. Last evaluated: 2017-05-09. Review status: criteria provided, single submitter. Criteria: GeneDx Variant Classification (06012015). Collection method: clinical testing. Allele origin: germline. Affected: yes.
Comment: This variant is considered likely benign or benign based on one or more of the following criteria: it is a conservative change, it occurs at a poorly conserved position in the protein, it is predicted to be benign by multiple in silico algorithms, and/or has population frequency not consistent with disease.

Laboratory for Molecular Medicine, Mass General Brigham Personalized Medicine
Classification: Benign. Last evaluated: 2013-09-28. Review status: criteria provided, single submitter. Criteria: LMM Criteria. Collection method: clinical testing. Allele origin: germline. Observed: 399 variant alleles.
Comment: "Leu1626Leu in Exon 26 of STRC: This variant is not expected to have clinical si gnificance because it does not alter an amino acid residue, is not located withi n the splice consensus sequence, and has been identified in 46.0% (1721/3738) of African American chromosomes from a broad population by the NHLBI Exome Sequenc ing Project (dbSNP rs12438025)."

Breakthrough Genomics
Classification: Benign. Review status: criteria provided, single submitter. Criteria: ACMG Guidelines, 2015. Collection method: not provided. Allele origin: germline. Inheritance: Autosomal recessive inheritance. Affected: yes.

Genome-Nilou Lab
Classification: Benign for Autosomal recessive nonsyndromic hearing loss 16. Review status: criteria provided, single submitter. Criteria: ACMG Guidelines, 2015. Collection method: clinical testing. Allele origin: germline.

Diagnostic Laboratory, Department of Genetics, University Medical Center Groningen
Classification: Benign. Review status: no assertion criteria provided. Collection method: clinical testing. Allele origin: germline. Affected: yes. Study: VKGL Data-share Consensus. Not counted in ClinVar's aggregate classification.

Joint Genome Diagnostic Labs from Nijmegen and Maastricht, Radboudumc and MUMC+
Classification: Benign. Review status: no assertion criteria provided. Collection method: clinical testing. Allele origin: germline. Affected: yes. Study: VKGL Data-share Consensus. Not counted in ClinVar's aggregate classification.

NM_153700.2(STRC):c.4878C>G (p.Leu1626=)

Gene: STRC (stereocilin; minus strand). Cytogenetic location: 15q15.3.
Variant type: single nucleotide variant.
Coding change: c.4878C>G on transcript NM_153700.2 (MANE Select); coding-DNA position 4878, C replaced by G.
Protein change: p.Leu1626=; no amino-acid change (leucine 1626 retained).
Molecular consequence: synonymous variant.
Genome position (GRCh38, 1-based): chr15:43,600,649, G>C on the plus strand (C>G on the coding strand, the complement: STRC is on the minus strand). VCF-style: chr15-43600649-G-C. GRCh37 (hg19) VCF-style: chr15-43892847-G-C.
Other names: p.Leu1626=.
Identifiers: ClinVar variation 178634 (VCV000178634.14), dbSNP rs12438025, ClinGen allele CA182705.
Genomic context (GRCh38, chr15:43,600,649, plus strand): 5'-AAACCCACCAGGCAGTACAAGTAGGTGGGCCAGAACCTCCAGTTGTTCCTCAGAGCACTG[G>C]AGATGCAGGGTGCCGAGGAAGAGAGCTGCTTGGCTGTAGAACAGTAGGAAGGAAGGAAGA-3'
Protein context (NP_714544.1, residues 1616-1636): QAALFLGTLH[Leu1626=]QCSEEQLEVL